The following is an entry in ClinVar:

ClinVar aggregate classification (germline): Uncertain significance (1 of 4 stars; one submission).

gnomAD v4.1: 7 of 1,612,728 alleles (0.00043%); highest among the groups gnomAD compares: Non-Finnish European, 0.00051%; no homozygotes.

Submission:

Labcorp Genetics (formerly Invitae), Labcorp
Classification: Uncertain significance. Last evaluated: 2019-05-29. Review status: criteria provided, single submitter. Criteria: Invitae Variant Classification Sherloc (09022015). Collection method: clinical testing. Allele origin: germline.
Comment: This sequence change replaces leucine with arginine at codon 1021 of the SZT2 protein (p.Leu1021Arg). The leucine residue is weakly conserved and there is a moderate physicochemical difference between leucine and arginine. This variant is not present in population databases (ExAC no frequency). This variant has not been reported in the literature in individuals with SZT2-related conditions. Algorithms developed to predict the effect of missense changes on protein structure and function (SIFT, PolyPhen-2, Align-GVGD) all suggest that this variant is likely to be tolerated, but these predictions have not been confirmed by published functional studies and their clinical significance is uncertain. In summary, the available evidence is currently insufficient to determine the role of this variant in disease. Therefore, it has been classified as a Variant of Uncertain Significance.

NM_001365999.1(SZT2):c.3233T>G (p.Leu1078Arg)

Gene: SZT2 (SZT2 subunit of KICSTOR complex; plus strand). Cytogenetic location: 1p34.2.
Variant type: single nucleotide variant.
Coding change: c.3233T>G on transcript NM_001365999.1 (MANE Select); coding-DNA position 3233, T replaced by G.
Protein change: p.Leu1078Arg; replaces leucine 1078 with arginine.
Molecular consequence: missense variant.
Genome position (GRCh38, 1-based): chr1:43,426,733, T>G. VCF-style: chr1-43426733-T-G. GRCh37 (hg19) VCF-style: chr1-43892404-T-G.
Other names: c.3062T>G, p.Leu1021Arg (NM_015284.4); short protein forms L1021R, L1078R.
Identifiers: ClinVar variation 936544 (VCV000936544.9), dbSNP rs1003469390, ClinGen allele CA340016533.
Genomic context (GRCh38, chr1:43,426,733, plus strand): 5'-GCTGGCCCTGCCCTCTTTCACCCATCTCTACCCCCATTGTAGGTGCCGAGGGGCCACTGC[T>G]GGGGGTTCATGGGATCCCGAAGGAGCAAGCAGTCGGCAGCACCCAGGCCACAGGAGACTC-3'
Protein context (NP_001352928.1, residues 1068-1088): CHVPGAEGPL[Leu1078Arg]GVHGIPKEQA